The following is an entry in ClinVar:

NM_206933.4(USH2A):c.4627+699C>A

Gene: USH2A (usherin; minus strand). Cytogenetic location: 1q41.
Variant type: single nucleotide variant.
Coding change: c.4627+699C>A on transcript NM_206933.4 (MANE Select); 699 bases into the intron after coding-DNA position 4627, C replaced by A.
Molecular consequence: intron variant. On other transcripts: 3 prime UTR variant (1).
Genome position (GRCh38, 1-based): chr1:216,174,553, G>T on the plus strand (C>A on the coding strand, the complement: USH2A is on the minus strand). VCF-style: chr1-216174553-G-T. GRCh37 (hg19) VCF-style: chr1-216347895-G-T.
Other names: c.*685C>A (NM_007123.6).
Identifiers: ClinVar variation 295412 (VCV000295412.9), dbSNP rs59704861, ClinGen allele CA10609848.

ClinVar aggregate classification (germline): Benign. Review status: criteria provided, multiple submitters, no conflicts (2 of 4 stars). 5 submissions from 3 submitters: Benign (5). Last evaluated 2023-04-11.

Conditions:
Retinitis pigmentosa (RP). Identifiers: Orphanet 791, MedGen C0035334, MeSH D012174, MONDO:0019200, OMIM 268000. Inheritance: Autosomal dominant, autosomal recessive and X linked inheritance.
Usher syndrome type 2A. Also called: USHER SYNDROME, TYPE IIA; RETINAL DISEASE IN USHER SYNDROME TYPE IIA, MODIFIER OF. Identifiers: Orphanet 231178, Orphanet 886, MedGen C1848634, MONDO:0010169, OMIM 276901.
Retinitis pigmentosa 39 (RP39). Identifiers: Orphanet 791, MedGen C3151138, MONDO:0013436, OMIM 613809.

Allele frequency attached by ClinVar (database versions not stated): gnomAD exomes 0.00294; gnomAD 0.03041 and 0.03223; TOPMed 0.03415; 1000 Genomes Project 0.03594; 1000 Genomes Project 30x 0.03701.
gnomAD v4.1: 7,164 of 982,690 alleles (0.73%); highest among the groups gnomAD compares: African/African-American, 11%; 318 homozygotes.

Submissions (5):

Genome-Nilou Lab
Classification: Benign for Retinitis pigmentosa 39. Last evaluated: 2023-04-11. Review status: criteria provided, single submitter. Criteria: ACMG Guidelines, 2015. Collection method: clinical testing. Allele origin: germline. Affected: no.

Genome-Nilou Lab
Classification: Benign for Usher syndrome type 2A. Last evaluated: 2023-04-11. Review status: criteria provided, single submitter. Criteria: ACMG Guidelines, 2015. Collection method: clinical testing. Allele origin: germline. Affected: no.

GeneDx
Classification: Benign. Last evaluated: 2021-06-01. Review status: criteria provided, single submitter. Criteria: GeneDx Variant Classification Process June 2021. Collection method: clinical testing. Allele origin: germline. Affected: yes.

Illumina Laboratory Services, Illumina
Classification: Benign for Usher syndrome type 2A. Last evaluated: 2018-01-12. Review status: criteria provided, single submitter. Criteria: ICSL Variant Classification Criteria 13 December 2019. Collection method: clinical testing. Allele origin: germline.
Comment: This variant was observed in the ICSL laboratory as part of a predisposition screen in an ostensibly healthy population. It had not been previously curated by ICSL or reported in the Human Gene Mutation Database (HGMD: prior to June 1st, 2018), and was therefore a candidate for classification through an automated scoring system. Utilizing variant allele frequency, disease prevalence and penetrance estimates, and inheritance mode, an automated score was calculated to assess if this variant is too frequent to cause the disease. Based on the score and internal cut-off values, a variant classified as benign is not then subjected to further curation. The score for this variant resulted in a classification of benign for this disease.

Illumina Laboratory Services, Illumina
Classification: Benign for Retinitis pigmentosa. Last evaluated: 2018-01-12. Review status: criteria provided, single submitter. Criteria: ICSL Variant Classification Criteria 13 December 2019. Collection method: clinical testing. Allele origin: germline.
Comment: the same text as in the submission from Illumina Laboratory Services, Illumina above.